The following is an entry in ClinVar:

ClinVar aggregate classification (germline): Pathogenic (1 of 4 stars; one submission).

Conditions:
Ehlers-Danlos syndrome, classic type, 1 (EDSCL1). Also called: EDS I; EHLERS-DANLOS SYNDROME, GRAVIS TYPE; EHLERS-DANLOS SYNDROME, SEVERE CLASSIC TYPE; Ehlers-Danlos Syndrome, Classic Type, COL5A1-Related; Ehlers-Danlos syndrome, type 1. Identifiers: MedGen C0268335, MONDO:0019567, OMIM 130000.

Submission:

Labcorp Genetics (formerly Invitae), Labcorp
Classification: Pathogenic for Ehlers-Danlos syndrome, classic type, 1. Last evaluated: 2022-08-31. Review status: criteria provided, single submitter. Criteria: Invitae Variant Classification Sherloc (09022015). Collection method: clinical testing. Allele origin: germline.
Comment: This sequence change creates a premature translational stop signal (p.Glu1517Glyfs*104) in the COL5A1 gene. It is expected to result in an absent or disrupted protein product. Loss-of-function variants in COL5A1 are known to be pathogenic (PMID: 23587214). For these reasons, this variant has been classified as Pathogenic. Algorithms developed to predict the effect of sequence changes on RNA splicing suggest that this variant may create or strengthen a splice site. ClinVar contains an entry for this variant (Variation ID: 664381). This variant has not been reported in the literature in individuals affected with COL5A1-related conditions. This variant is not present in population databases (gnomAD no frequency).

Literature cited by the submitters: PubMed 23587214.

NM_000093.5(COL5A1):c.4545_4549dup (p.Glu1517fs)

Genes: COL5A1 (collagen type V alpha 1 chain; plus strand), LOC101448202 (uncharacterized LOC101448202; minus strand). Cytogenetic location: 9q34.3.
Variant type: Duplication.
Coding change: c.4545_4549dup on transcript NM_000093.5 (MANE Select); coding-DNA positions 4545 to 4549, 5 bases duplicated (GGGAG; older notation c.4545_4549dupGGGAG).
Protein change: p.Glu1517fs; shifts the reading frame from glutamic acid 1517.
Molecular consequence: frameshift variant.
Genome position (GRCh38, 1-based): chr9:134,820,214-134,820,218, GGGAG duplicated. VCF-style (leftmost placement, unchanged base first): chr9-134820213-A-AGGGAG. GRCh37 (hg19) VCF-style: chr9-137712059-A-AGGGAG.
Other names: c.4545_4549dupGGGAG (NM_000093.4); c.4545_4549dup, p.Glu1517fs (NM_001278074.1); short protein forms E1517fs.
Identifiers: ClinVar variation 664381 (VCV000664381.8), dbSNP rs1588589663, ClinGen allele CA915947342.